The following is an entry in ClinVar:

NM_005612.5(REST):c.679C>T (p.Arg227Ter)

Gene: REST (RE1 silencing transcription factor; plus strand). Cytogenetic location: 4q12.
Variant type: single nucleotide variant.
Coding change: c.679C>T on transcript NM_005612.5 (MANE Select); coding-DNA position 679, C replaced by T.
Protein change: p.Arg227Ter; replaces arginine 227 with a stop codon.
Molecular consequence: nonsense.
Genome position (GRCh38, 1-based): chr4:56,911,317, C>T. VCF-style: chr4-56911317-C-T. GRCh37 (hg19) VCF-style: chr4-57777483-C-T.
Other names: c.679C>T, p.Arg227Ter (NM_001193508.2, NM_001363453.3); short protein forms R227*.
Identifiers: ClinVar variation 2850900 (VCV002850900.3), dbSNP rs1719897819, ClinGen allele CA357004569.

ClinVar aggregate classification (germline): Pathogenic (1 of 4 stars; one submission).

Submission:

Labcorp Genetics (formerly Invitae), Labcorp
Classification: Pathogenic. Last evaluated: 2023-05-10. Review status: criteria provided, single submitter. Criteria: Invitae Variant Classification Sherloc (09022015). Collection method: clinical testing. Allele origin: germline.
Comment: This sequence change creates a premature translational stop signal (p.Arg227*) in the REST gene. It is expected to result in an absent or disrupted protein product. Loss-of-function variants in REST are known to be pathogenic (PMID: 26551668). This variant is not present in population databases (gnomAD no frequency). This variant has not been reported in the literature in individuals affected with REST-related conditions. For these reasons, this variant has been classified as Pathogenic.

Literature cited by the submitters: PubMed 26551668.